The following is an entry in ClinVar:

NM_001365536.1(SCN9A):c.4868T>C (p.Leu1623Pro)

Genes: SCN1A-AS1 (SCN1A and SCN9A antisense RNA 1; plus strand), SCN9A (sodium voltage-gated channel alpha subunit 9; minus strand). Cytogenetic location: 2q24.3.
Variant type: single nucleotide variant.
Coding change: c.4868T>C on transcript NM_001365536.1 (MANE Select); coding-DNA position 4868, T replaced by C.
Protein change: p.Leu1623Pro; replaces leucine 1623 with proline.
Molecular consequence: missense variant. On other transcripts: non-coding transcript variant (1).
Genome position (GRCh38, 1-based): chr2:166,199,771, A>G on the plus strand (T>C on the coding strand, the complement: SCN9A is on the minus strand). VCF-style: chr2-166199771-A-G. GRCh37 (hg19) VCF-style: chr2-167056281-A-G.
Other names: c.4835T>C, p.Leu1612Pro (NM_002977.4); short protein forms L1612P, L1623P.
Identifiers: ClinVar variation 430091 (VCV000430091.3), dbSNP rs1131691776, ClinGen allele CA349055343.

ClinVar aggregate classification (germline): Likely pathogenic. Review status: criteria provided, single submitter (1 of 4 stars). 2 submissions from 2 submitters: Likely pathogenic (1). 1 of the submissions does not count toward it. Last evaluated 2016-07-18.

Conditions:
Paroxysmal extreme pain disorder (PEXPD). Also called: PAIN, SUBMANDIBULAR, OCULAR, AND RECTAL, WITH FLUSHING; RECTAL PAIN, FAMILIAL; SCN9A Paroxysmal Extreme Pain Disorder (SCN9A-PEPD). Identifiers: Orphanet 46348, MedGen C1833661, MONDO:0008179, OMIM 167400.

Submissions (2):

GeneDx
Classification: Likely pathogenic. Last evaluated: 2016-07-18. Review status: criteria provided, single submitter. Criteria: GeneDx Variant Classification (06012015). Collection method: clinical testing. Allele origin: germline. Affected: yes.
Comment: The L1612P variant has been reported in a extended family diagnosed with a cold sensitive paroxysmal extreme pain disorder (Suter et al., 2015). In vitro functional studies of the L1612P variant demonstrated abnormal electrophysiologic properties compared with controls (Suter et al., 2015). The L1612P variant was not observed in approximately 6,500 individuals of European and African American ancestry in the NHLBI Exome Sequencing Project, indicating it is not a common benign variant in these populations. The L1612P variant is a semi-conservative amino acid substitution, which may impact secondary protein structure as these residues differ in some properties. This substitution occurs at a position that is conserved across species. In silico analysis predicts this variant is probably damaging to the protein structure/function. Therefore, based on the currently available information, L1612P is likely pathogenic

Xenon Pharmaceuticals, Inc.
Classification: Pathogenic for Paroxysmal Extreme Pain Disorder. Last evaluated: 2014-01-01. Review status: no assertion criteria provided. Collection method: clinical testing. Allele origin: de novo. Affected: yes. Observed: 1 variant allele. Not counted in ClinVar's aggregate classification.
Comment: Variant is also found in another patient with the same disease published by Suter et al 2015 (DOI 10.1097/ALN.0000000000000476)